The following is an entry in ClinVar:

ClinVar aggregate classification (germline): Likely pathogenic (1 of 4 stars; one submission).

Conditions:
Pyknodysostosis. Also called: Pycnodysostosis. Identifiers: Orphanet 763, MedGen C0238402, MONDO:0009940, OMIM 265800.

Submission:

Natera, Inc.
Classification: Likely pathogenic for Pyknodysostosis. Last evaluated: 2024-10-15. Review status: criteria provided, single submitter. Criteria: Natera Variant Classification Schema (03/2026). Collection method: clinical testing. Allele origin: germline.
Comment: The c.418_421delinsGGTTC variant in CTSK is a frameshift variant predicted to shift the reading frame beginning at codon 140 and leads to a stop codon 4 codons downstream. This variant is expected to result in nonsense mediated decay, truncation, or a dysfunctional protein product. This variant is rare in the general population with a frequency below the threshold expected for the associated phenotype(s). Given the available evidence, this variant is classified as Likely Pathogenic.

NM_000396.4(CTSK):c.418_421delinsGGTTC (p.Trp140fs)

Gene: CTSK (cathepsin K; minus strand). Cytogenetic location: 1q21.3.
Variant type: Indel.
Coding change: c.418_421delinsGGTTC on transcript NM_000396.4 (MANE Select); coding-DNA positions 418 to 421, TGGG replaced by GGTTC.
Protein change: p.Trp140fs; shifts the reading frame from tryptophan 140.
Molecular consequence: frameshift variant.
Genome position (GRCh38, 1-based): chr1:150,804,218-150,804,221, CCCA replaced by GAACC on the plus strand (TGGG replaced by GGTTC on the coding strand, the reverse complement: CTSK is on the minus strand). VCF-style: chr1-150804218-CCCA-GAACC. GRCh37 (hg19) VCF-style: chr1-150776694-CCCA-GAACC.
Other names: short protein forms W140fs.
Identifiers: ClinVar variation 4818305 (VCV004818305.1).